The following is an entry in ClinVar:

NM_033380.3(COL4A5):c.1526G>T (p.Gly509Val)

Gene: COL4A5 (collagen type IV alpha 5 chain; plus strand). Cytogenetic location: Xq22.3.
Variant type: single nucleotide variant.
Coding change: c.1526G>T on transcript NM_033380.3 (MANE Select); coding-DNA position 1526, G replaced by T.
Protein change: p.Gly509Val; replaces glycine 509 with valine.
Molecular consequence: missense variant.
Genome position (GRCh38, 1-based): chrX:108,597,007, G>T. VCF-style: chrX-108597007-G-T. GRCh37 (hg19) VCF-style: chrX-107840237-G-T.
Other names: c.1526G>T, p.Gly509Val (NM_000495.5); short protein forms G509V.
Identifiers: ClinVar variation 4820328 (VCV004820328.2).
Genomic context (GRCh38, chrX:108,597,007, plus strand): 5'-AAGCTTACGTTATTGTGTGTGTGTGTGTTTGTTTGTGTGTGTGTGTGTTAGGATCTCTTG[G>T]TTTCCCTGGACAGAAAGGGGAAAAAGGACAAGCTGGTGCAACTGGTCCCAAAGGATTACC-3'
Protein context (NP_203699.1, residues 499-519): PGLPGPPGSL[Gly509Val]FPGQKGEKGQ

ClinVar aggregate classification (germline): Likely pathogenic (1 of 4 stars; one submission).

Conditions:
X-linked Alport syndrome (ATS1). Also called: NEPHROPATHY AND DEAFNESS, X-LINKED; COL4A5-Related Nephropathy. Identifiers: Orphanet 63, Orphanet 88917, MedGen C4746986, MONDO:0010520, OMIM 301050.

Submission:

Genetics laboratory, Institute of Kidney Diseases & Research Centre Dr. H.L. Trivedi Institute Of Transplantation Sciences
Classification: Likely pathogenic for X-linked Alport syndrome. Last evaluated: 2026-01-28. Review status: criteria provided, single submitter. Criteria: ACMG Guidelines, 2015. Collection method: clinical testing. Allele origin: germline. Inheritance: X-linked dominant inheritance. Affected: yes. Observed: 1 variant allele, 1 hemizygote.
Comment: The COL4A5:c.1526G>T (p.Gly509Val) variant is classified as Likely Pathogenic per American College of Medical Genetics and Genomics guidelines, based on a conserved glycine substitution in the collagenous domain, rarity in population databases, and deleterious computational predictions. Supporting evidence includes similar pathogenic glycine substitutions in Alport syndrome.